The following is an entry in ClinVar:

NM_006231.4(POLE):c.4429A>G (p.Ser1477Gly)

Gene: POLE (DNA polymerase epsilon, catalytic subunit; minus strand). Cytogenetic location: 12q24.33.
Variant type: single nucleotide variant.
Coding change: c.4429A>G on transcript NM_006231.4 (MANE Select); coding-DNA position 4429, A replaced by G.
Protein change: p.Ser1477Gly; replaces serine 1477 with glycine.
Molecular consequence: missense variant.
Genome position (GRCh38, 1-based): chr12:132,643,422, T>C on the plus strand (A>G on the coding strand, the complement: POLE is on the minus strand). VCF-style: chr12-132643422-T-C. GRCh37 (hg19) VCF-style: chr12-133220008-T-C.
Other names: short protein forms S1477G.
Identifiers: ClinVar variation 1424200 (VCV001424200.6), dbSNP rs2138549845, ClinGen allele CA387380965.

ClinVar aggregate classification (germline): Uncertain significance (1 of 4 stars; one submission).

Allele frequency attached by ClinVar (database versions not stated): gnomAD exomes below 0.00001.
gnomAD v4.1: 1 of 1,614,250 alleles (0.000062%); highest among the groups gnomAD compares: East Asian, 0.0022%; no homozygotes.

Submission:

Labcorp Genetics (formerly Invitae), Labcorp
Classification: Uncertain significance. Last evaluated: 2025-03-21. Review status: criteria provided, single submitter. Criteria: Invitae Variant Classification Sherloc (09022015). Collection method: clinical testing. Allele origin: germline.
Comment: This sequence change replaces serine, which is neutral and polar, with glycine, which is neutral and non-polar, at codon 1477 of the POLE protein (p.Ser1477Gly). This variant is not present in population databases (gnomAD no frequency). This variant has not been reported in the literature in individuals affected with POLE-related conditions. ClinVar contains an entry for this variant (Variation ID: 1424200). Invitae Evidence Modeling of protein sequence and biophysical properties (such as structural, functional, and spatial information, amino acid conservation, physicochemical variation, residue mobility, and thermodynamic stability) indicates that this missense variant is not expected to disrupt POLE protein function with a negative predictive value of 80%. In summary, the available evidence is currently insufficient to determine the role of this variant in disease. Therefore, it has been classified as a Variant of Uncertain Significance.